The following is an entry in ClinVar:

NM_017819.4(TRMT10C):c.982C>T (p.Arg328Trp)

Gene: TRMT10C (tRNA methyltransferase 10C, mitochondrial RNase P subunit; plus strand). Cytogenetic location: 3q12.3.
Variant type: single nucleotide variant.
Coding change: c.982C>T on transcript NM_017819.4 (MANE Select); coding-DNA position 982, C replaced by T.
Protein change: p.Arg328Trp; replaces arginine 328 with tryptophan.
Molecular consequence: missense variant.
Genome position (GRCh38, 1-based): chr3:101,565,763, C>T. VCF-style: chr3-101565763-C-T. GRCh37 (hg19) VCF-style: chr3-101284607-C-T.
Other names: c.982C>T (NM_017819.3); short protein forms R328W.
Identifiers: ClinVar variation 4191390 (VCV004191390.3).

ClinVar aggregate classification (germline): Uncertain significance. Review status: criteria provided, multiple submitters, no conflicts (2 of 4 stars). 3 submissions from 3 submitters: Uncertain significance (3). Last evaluated 2026-04-02.

gnomAD v4.1: 81 of 1,614,134 alleles (0.005%); highest among the groups gnomAD compares: Admixed American, 0.068%; 1 homozygote.

Submissions (3):

GeneDx
Classification: Uncertain significance. Last evaluated: 2026-04-02. Review status: criteria provided, single submitter. Criteria: GeneDx Variant Classification Process June 2021. Collection method: clinical testing. Allele origin: germline.
Comment: Not observed at significant frequency in large population cohorts (gnomAD); In silico analysis supports that this missense variant has a deleterious effect on protein structure/function; Has not been previously published as pathogenic or benign to our knowledge

Ambry Genetics
Classification: Uncertain significance. Last evaluated: 2025-08-24. Review status: criteria provided, single submitter. Criteria: Ambry Variant Classification Scheme 2023. Collection method: clinical testing. Allele origin: germline.

Labcorp Genetics (formerly Invitae), Labcorp
Classification: Uncertain significance. Last evaluated: 2025-03-07. Review status: criteria provided, single submitter. Criteria: Invitae Variant Classification Sherloc (09022015). Collection method: clinical testing. Allele origin: germline.
Comment: This sequence change replaces arginine, which is basic and polar, with tryptophan, which is neutral and slightly polar, at codon 328 of the TRMT10C protein (p.Arg328Trp). This variant is present in population databases (rs191057518, gnomAD 0.01%). This variant has not been reported in the literature in individuals affected with TRMT10C-related conditions. Invitae Evidence Modeling of protein sequence and biophysical properties (such as structural, functional, and spatial information, amino acid conservation, physicochemical variation, residue mobility, and thermodynamic stability) indicates that this missense variant is expected to disrupt TRMT10C protein function with a positive predictive value of 80%. In summary, the available evidence is currently insufficient to determine the role of this variant in disease. Therefore, it has been classified as a Variant of Uncertain Significance.